The following is an entry in ClinVar:

ClinVar aggregate classification (germline): Benign. Review status: criteria provided, multiple submitters, no conflicts (2 of 4 stars). 2 submissions from 2 submitters: Benign (2). Last evaluated 2026-05-18.

Conditions:
Renal hypomagnesemia 6. Identifiers: Orphanet 34527, MedGen C3151295, MONDO:0013480, OMIM 613882.

Allele frequency attached by ClinVar (database versions not stated): 1000 Genomes Project 0.00419; 1000 Genomes Project 30x 0.00515; gnomAD exomes 0.00673; gnomAD 0.01279 and 0.01310; TOPMed 0.01325.
gnomAD v4.1: 1,954 of 152,780 alleles (1.3%); highest among the groups gnomAD compares: Non-Finnish European, 2%; 19 homozygotes.

Submissions (2):

Revvity Omics, Revvity
Classification: Benign. Last evaluated: 2026-05-18. Review status: criteria provided, single submitter. Criteria: ACMG Guidelines, 2015. Collection method: clinical testing. Allele origin: germline.

Illumina Laboratory Services, Illumina
Classification: Benign for Renal hypomagnesemia 6. Last evaluated: 2018-01-13. Review status: criteria provided, single submitter. Criteria: ICSL Variant Classification Criteria 13 December 2019. Collection method: clinical testing. Allele origin: germline.
Comment: This variant was observed in the ICSL laboratory as part of a predisposition screen in an ostensibly healthy population. It had not been previously curated by ICSL or reported in the Human Gene Mutation Database (HGMD: prior to June 1st, 2018), and was therefore a candidate for classification through an automated scoring system. Utilizing variant allele frequency, disease prevalence and penetrance estimates, and inheritance mode, an automated score was calculated to assess if this variant is too frequent to cause the disease. Based on the score and internal cut-off values, a variant classified as benign is not then subjected to further curation. The score for this variant resulted in a classification of benign for this disease.

NM_017649.5(CNNM2):c.*794G>A

Gene: CNNM2 (cyclin and CBS domain divalent metal cation transport mediator 2; plus strand). Cytogenetic location: 10q24.32.
Variant type: single nucleotide variant.
Coding change: c.*794G>A on transcript NM_017649.5 (MANE Select); 794 bases downstream of the stop codon, G replaced by A.
Molecular consequence: 3 prime UTR variant.
Genome position (GRCh38, 1-based): chr10:103,077,974, G>A. VCF-style: chr10-103077974-G-A. GRCh37 (hg19) VCF-style: chr10-104837731-G-A.
Other names: c.*794G>A (NM_199076.3).
Identifiers: ClinVar variation 298661 (VCV000298661.6), dbSNP rs41287480, ClinGen allele CA10634484.